The following is an entry in ClinVar:

ClinVar aggregate classification (germline): Uncertain significance (1 of 4 stars; one submission).

Conditions:
Developmental and epileptic encephalopathy, 3 (DEE3). Also called: Epileptic encephalopathy, early infantile, 3. Identifiers: MedGen C5574665, MONDO:0012245, OMIM 609304.

Submission:

3billion
Classification: Uncertain significance for Developmental and epileptic encephalopathy, 3. Last evaluated: 2025-12-24. Review status: criteria provided, single submitter. Criteria: ACMG Guidelines, 2015. Collection method: clinical testing. Allele origin: germline. Affected: yes.
Comment: The variant is not observed in the gnomAD v4.1.0 dataset. Predicted Consequence/Location: Missense variant. The majority of the known disease-causing variants of this gene are variants expected to result in premature termination of the protein. In silico tool predictions suggest damaging effect of the variant on gene or gene product [REVEL: 0.95 (>=0.6, sensitivity 0.68 and specificity 0.92)]. The different nucleotide change resulting in the same amino acid change has been previously reported to be associated with SLC25A22-related disorder(PMID: 31054490). However, the evidence of pathogenicity is insufficient at this time. Therefore, this variant is classified as VUS according to the recommendation of ACMG/AMP guideline.

Literature cited by the submitters: PubMed 31054490.

NM_001191061.2(SLC25A22):c.55G>C (p.Gly19Arg)

Gene: SLC25A22 (solute carrier family 25 member 22; minus strand). Cytogenetic location: 11p15.5.
Variant type: single nucleotide variant.
Coding change: c.55G>C on transcript NM_001191061.2 (MANE Select); coding-DNA position 55, G replaced by C.
Protein change: p.Gly19Arg; replaces glycine 19 with arginine.
Molecular consequence: missense variant. On other transcripts: 5 prime UTR variant (1).
Genome position (GRCh38, 1-based): chr11:794,867, C>G on the plus strand (G>C on the coding strand, the complement: SLC25A22 is on the minus strand). VCF-style: chr11-794867-C-G. GRCh37 (hg19) VCF-style: chr11-794867-C-G.
Other names: c.55G>C, p.Gly19Arg (NM_001191060.2, NM_001425334.1, NM_001425335.1 and 9 more transcripts); c.-269G>C (NM_001425344.1); short protein forms G19R.
Identifiers: ClinVar variation 4854500 (VCV004854500.1).